The following is an entry in ClinVar:

ClinVar aggregate classification (germline): Pathogenic (1 of 4 stars; one submission).

Conditions:
Inborn genetic diseases. Identifiers: MedGen C0950123, MeSH D030342.

gnomAD v4.1: 4 of 1,614,072 alleles (0.00025%); highest among the groups gnomAD compares: South Asian, 0.0022%; no homozygotes.

Submission:

Ambry Genetics
Classification: Pathogenic for Inborn genetic diseases. Last evaluated: 2025-04-01. Review status: criteria provided, single submitter. Criteria: Ambry Variant Classification Scheme 2023. Collection method: clinical testing. Allele origin: germline.
Comment: The p.Q109* pathogenic mutation (also known as c.325C>T), located in coding exon 4 of the DDX41 gene, results from a C to T substitution at nucleotide position 325. This changes the amino acid from a glutamine to a stop codon within coding exon 4. This variant is considered to be rare based on population cohorts in the Genome Aggregation Database (gnomAD). This alteration is expected to result in loss of function by premature protein truncation or nonsense-mediated mRNA decay. As such, this alteration is interpreted as a disease-causing mutation.

NM_016222.4(DDX41):c.325C>T (p.Gln109Ter)

Gene: DDX41 (DEAD-box helicase 41; minus strand). Cytogenetic location: 5q35.3.
Variant type: single nucleotide variant.
Coding change: c.325C>T on transcript NM_016222.4 (MANE Select); coding-DNA position 325, C replaced by T.
Protein change: p.Gln109Ter; replaces glutamine 109 with a stop codon.
Molecular consequence: nonsense. On other transcripts: 5 prime UTR variant (2).
Genome position (GRCh38, 1-based): chr5:177,516,167, G>A on the plus strand (C>T on the coding strand, the complement: DDX41 is on the minus strand). VCF-style: chr5-177516167-G-A. GRCh37 (hg19) VCF-style: chr5-176943168-G-A.
Other names: c.-54C>T (NM_001321732.2, NM_001321830.2); short protein forms Q109*.
Identifiers: ClinVar variation 4010274 (VCV004010274.1).